The following is an entry in ClinVar:

ClinVar aggregate classification (germline): Likely benign (1 of 4 stars; one submission).

Allele frequency attached by ClinVar (database versions not stated): ExAC 0.00003; gnomAD exomes 0.00004; 1000 Genomes Project 0.00020; 1000 Genomes Project 30x 0.00031.

Submission:

CeGaT Center for Human Genetics Tuebingen
Classification: Likely benign. Last evaluated: 2022-09-01. Review status: criteria provided, single submitter. Criteria: CeGaT Center For Human Genetics Tuebingen Variant Classification Criteria Version 2. Collection method: clinical testing. Allele origin: germline. Affected: yes. Observed: 1 variant allele.
Comment: NBPF10: BP4, BP7

NM_001302371.3(NBPF10):c.1221G>A (p.Pro407=)

Gene: NBPF10 (NBPF member 10; minus strand). Cytogenetic location: 1q21.1.
Variant type: single nucleotide variant.
Coding change: c.1221G>A on transcript NM_001302371.3 (MANE Select); coding-DNA position 1221, G replaced by A.
Protein change: p.Pro407=; no amino-acid change (proline 407 retained).
Molecular consequence: synonymous variant.
Genome position (GRCh38, 1-based): chr1:146,135,392, C>T on the plus strand (G>A on the coding strand, the complement: NBPF10 is on the minus strand). VCF-style: chr1-146135392-C-T. GRCh37 (hg19) VCF-style: chr1-145302783-G-A.
Other names: c.1221G>A, p.Pro407= (NM_001039703.6).
Identifiers: ClinVar variation 2639085 (VCV002639085.24), dbSNP rs587773151, ClinGen allele CA1051517.